The following is an entry in ClinVar:

NM_001367479.1(DNAH14):c.12593T>C (p.Leu4198Pro)

Gene: DNAH14 (dynein axonemal heavy chain 14; plus strand). Cytogenetic location: 1q42.12.
Variant type: single nucleotide variant.
Coding change: c.12593T>C on transcript NM_001367479.1 (MANE Select); coding-DNA position 12593, T replaced by C.
Protein change: p.Leu4198Pro; replaces leucine 4198 with proline.
Molecular consequence: missense variant.
Genome position (GRCh38, 1-based): chr1:225,377,313, T>C. VCF-style: chr1-225377313-T-C. GRCh37 (hg19) VCF-style: chr1-225565015-T-C.
Other names: short protein forms L4198P.
Identifiers: ClinVar variation 402664 (VCV000402664.5), dbSNP rs3856154, ClinGen allele CA1416853.
Genomic context (GRCh38, chr1:225,377,313, plus strand): 5'-CAGGATCTGCAAGCATAAAGGACTACATACACATTATCCAGTCCTTACCTGATGATGACC[T>C]TCCCGAGGTCTTAGGAATACACCCAGAGGCCATCAGGAGCTGCTGGGAGACCCAGGGCGA-3'
Protein context (NP_001354408.1, residues 4188-4208): HIIQSLPDDD[Leu4198Pro]PEVLGIHPEA

ClinVar aggregate classification (germline): Benign. Review status: criteria provided, multiple submitters, no conflicts (2 of 4 stars). 2 submissions from 2 submitters: Benign (2). Last evaluated 2016-03-28.

Allele frequency attached by ClinVar (database versions not stated): 1000 Genomes Project 30x 0.54966; 1000 Genomes Project 0.55631; ExAC 0.55721; ESP Exome Variant Server 0.56176; TOPMed 0.58043.
gnomAD v4.1: 982,424 of 1,548,846 alleles (63%); highest among the groups gnomAD compares: East Asian, 78%; 317,763 homozygotes.

Submissions (2):

Laboratory for Molecular Medicine, Mass General Brigham Personalized Medicine
Classification: Benign. Last evaluated: 2016-03-28. Review status: criteria provided, single submitter. Criteria: LMM Criteria. Collection method: clinical testing. Allele origin: germline.
Comment: Variant identified in a genome or exome case(s) and assessed due to predicted null impact of the variant or pathogenic assertions in the literature or databases. Disclaimer: This variant has not undergone full assessment. The following are preliminary notes: Frequency

Breakthrough Genomics
Classification: Benign. Review status: criteria provided, single submitter. Criteria: ACMG Guidelines, 2015. Collection method: not provided. Allele origin: germline. Inheritance: Unknown mechanism. Affected: yes.